The following is an entry in ClinVar:

NM_000918.4(P4HB):c.664A>G (p.Lys222Glu)

Gene: P4HB (prolyl 4-hydroxylase subunit beta; minus strand). Cytogenetic location: 17q25.3.
Variant type: single nucleotide variant.
Coding change: c.664A>G on transcript NM_000918.4 (MANE Select); coding-DNA position 664, A replaced by G.
Protein change: p.Lys222Glu; replaces lysine 222 with glutamic acid.
Molecular consequence: missense variant.
Genome position (GRCh38, 1-based): chr17:81,847,308, T>C on the plus strand (A>G on the coding strand, the complement: P4HB is on the minus strand). VCF-style: chr17-81847308-T-C. GRCh37 (hg19) VCF-style: chr17-79805184-T-C.
Other names: short protein forms K222E.
Identifiers: ClinVar variation 1355739 (VCV001355739.8), dbSNP rs2038752136, ClinGen allele CA401511953.

ClinVar aggregate classification (germline): Uncertain significance (1 of 4 stars; one submission).

Allele frequency attached by ClinVar (database versions not stated): gnomAD exomes below 0.00001; gnomAD 0.00001.
gnomAD v4.1: 8 of 1,614,068 alleles (0.0005%); highest among the groups gnomAD compares: Admixed American, 0.013%; no homozygotes.

Submission:

Labcorp Genetics (formerly Invitae), Labcorp
Classification: Uncertain significance. Last evaluated: 2025-11-06. Review status: criteria provided, single submitter. Criteria: Invitae Variant Classification Sherloc (09022015). Collection method: clinical testing. Allele origin: germline.
Comment: This sequence change replaces lysine, which is basic and polar, with glutamic acid, which is acidic and polar, at codon 222 of the P4HB protein (p.Lys222Glu). This variant is not present in population databases (gnomAD no frequency). This variant has not been reported in the literature in individuals affected with P4HB-related conditions. ClinVar contains an entry for this variant (Variation ID: 1355739). Invitae Evidence Modeling of protein sequence and biophysical properties (such as structural, functional, and spatial information, amino acid conservation, physicochemical variation, residue mobility, and thermodynamic stability) indicates that this missense variant is not expected to disrupt P4HB protein function with a negative predictive value of 80%. In summary, the available evidence is currently insufficient to determine the role of this variant in disease. Therefore, it has been classified as a Variant of Uncertain Significance.